The following is an entry in ClinVar:

NM_000360.4(TH):c.162_170dup (p.Ala59_Val60insAlaAlaAla)

Gene: TH (tyrosine hydroxylase; minus strand). Cytogenetic location: 11p15.5.
Variant type: Duplication.
Coding change: c.162_170dup on transcript NM_000360.4 (MANE Select); coding-DNA positions 162 to 170, 9 bases duplicated (AGCAGCGGC; older notation c.162_170dupAGCAGCGGC).
Protein change: p.Ala59_Val60insAlaAlaAla.
Molecular consequence: inframe insertion.
Genome position (GRCh38, 1-based): chr11:2,169,792-2,169,800, GCCGCTGCT duplicated on the plus strand (AGCAGCGGC on the coding strand, the reverse complement: TH is on the minus strand); duplicating any 9 consecutive bases within chr11:2,169,792-2,169,803 gives the same sequence; the c. name uses the placement nearest the transcript's 3' end. VCF-style (leftmost placement, unchanged base first): chr11-2169791-G-GGCCGCTGCT. GRCh37 (hg19) VCF-style: chr11-2191021-G-GGCCGCTGCT.
Other names: c.174_182dup, p.Ala63_Val64insAlaAlaAla (NM_001440535.1, NM_001440536.1); c.162_170dup, p.Ala59_Val60insAlaAlaAla (NM_001440537.1); c.255_263dup, p.Ala90_Val91insAlaAlaAla (NM_199292.3); c.243_251dup, p.Ala86_Val87insAlaAlaAla (NM_199293.3).
Identifiers: ClinVar variation 5004871 (VCV005004871.1).

ClinVar aggregate classification (germline): Uncertain significance (1 of 4 stars; one submission).

Conditions:
TH-deficient dopa-responsive dystonia. Also called: DYT-TH; Segawa syndrome, autosomal recessive; Tyrosine Hydroxylase-Deficient Dopa-Responsive Dystonia. Identifiers: Orphanet 101150, MedGen C2673535, MONDO:0011551, OMIM 605407.

Submission:

Myriad Genetics, Inc.
Classification: Uncertain significance for TH-deficient dopa-responsive dystonia. Last evaluated: 2026-08-25. Review status: criteria provided, single submitter. Criteria: Myriad Autosomal Dominant, Autosomal Recessive and X-Linked Classification Criteria (2023). Collection method: clinical testing. Allele origin: unknown.
Comment: NM_199292.2(TH):c.255_263dup9(A88_A90dup) is an in-frame insertion classified as a variant of uncertain significance in the context of tyrosine hydroxylase deficiency. A88_A90dup has not been observed in cases with relevant disease. Relevant functional assessments of this variant are not available in the literature. A88_A90dup has not been observed in referenced population frequency databases. In summary, there is insufficient evidence to classify NM_199292.2(TH):c.255_263dup9(A88_A90dup) as pathogenic or benign. Please note: this variant was assessed in the context of healthy population screening.